The following is an entry in ClinVar:

NM_032387.5(WNK4):c.2295+1G>A

Gene: WNK4 (WNK lysine deficient protein kinase 4; plus strand). Cytogenetic location: 17q21.2.
Variant type: single nucleotide variant.
Coding change: c.2295+1G>A on transcript NM_032387.5 (MANE Select); the canonical splice donor site of the intron after coding-DNA position 2295, G replaced by A.
Molecular consequence: splice donor variant.
Genome position (GRCh38, 1-based): chr17:42,793,730, G>A. VCF-style: chr17-42793730-G-A. GRCh37 (hg19) VCF-style: chr17-40945748-G-A.
Other names: c.1287+1G>A (NM_001321299.2).
Identifiers: ClinVar variation 2060391 (VCV002060391.4), dbSNP rs769831520, ClinGen allele CA8584277.

ClinVar aggregate classification (germline): Uncertain significance (1 of 4 stars; one submission).

Allele frequency attached by ClinVar (database versions not stated): gnomAD 0.00001; ExAC 0.00004; TOPMed 0.00004.

Submission:

Labcorp Genetics (formerly Invitae), Labcorp
Classification: Uncertain significance. Last evaluated: 2024-04-22. Review status: criteria provided, single submitter. Criteria: Invitae Variant Classification Sherloc (09022015). Collection method: clinical testing. Allele origin: germline.
Comment: This sequence change affects a donor splice site in intron 12 of the WNK4 gene. It is expected to disrupt RNA splicing. Variants that disrupt the donor or acceptor splice site typically lead to a loss of protein function (PMID: 16199547), however the current clinical and genetic evidence is not sufficient to establish whether loss-of-function variants in WNK4 cause disease. This variant is present in population databases (rs769831520, gnomAD 0.04%). This variant has not been reported in the literature in individuals affected with WNK4-related conditions. ClinVar contains an entry for this variant (Variation ID: 2060391). Algorithms developed to predict the effect of sequence changes on RNA splicing suggest that this variant may disrupt the consensus splice site. In summary, the available evidence is currently insufficient to determine the role of this variant in disease. Therefore, it has been classified as a Variant of Uncertain Significance.

Literature cited by the submitters: PubMed 16199547.